The following is an entry in ClinVar:

ClinVar aggregate classification (germline): Uncertain significance (1 of 4 stars; one submission).

Allele frequency attached by ClinVar (database versions not stated): gnomAD 0.00001; gnomAD exomes 0.00002; TOPMed 0.00002; ExAC 0.00004.
gnomAD v4.1: 35 of 1,614,026 alleles (0.0022%); highest among the groups gnomAD compares: East Asian, 0.058%; no homozygotes.

Submission:

Labcorp Genetics (formerly Invitae), Labcorp
Classification: Uncertain significance. Last evaluated: 2025-04-14. Review status: criteria provided, single submitter. Criteria: Invitae Variant Classification Sherloc (09022015). Collection method: clinical testing. Allele origin: germline.
Comment: This sequence change replaces valine, which is neutral and non-polar, with alanine, which is neutral and non-polar, at codon 613 of the LIFR protein (p.Val613Ala). This variant is present in population databases (rs772026858, gnomAD 0.05%). This variant has not been reported in the literature in individuals affected with LIFR-related conditions. ClinVar contains an entry for this variant (Variation ID: 2138983). An algorithm developed to predict the effect of missense changes on protein structure and function outputs the following: PolyPhen-2: "Benign". The alanine amino acid residue is found in multiple mammalian species, which suggests that this missense change does not adversely affect protein function. In summary, the available evidence is currently insufficient to determine the role of this variant in disease. Therefore, it has been classified as a Variant of Uncertain Significance.

NM_001127671.2(LIFR):c.1838T>C (p.Val613Ala)

Gene: LIFR (LIF receptor subunit alpha; minus strand). Cytogenetic location: 5p13.1.
Variant type: single nucleotide variant.
Coding change: c.1838T>C on transcript NM_001127671.2 (MANE Select); coding-DNA position 1838, T replaced by C.
Protein change: p.Val613Ala; replaces valine 613 with alanine.
Molecular consequence: missense variant.
Genome position (GRCh38, 1-based): chr5:38,496,429, A>G on the plus strand (T>C on the coding strand, the complement: LIFR is on the minus strand). VCF-style: chr5-38496429-A-G. GRCh37 (hg19) VCF-style: chr5-38496531-A-G.
Other names: c.1838T>C, p.Val613Ala (NM_001364297.2, NM_001364298.2, NM_002310.6); short protein forms V613A.
Identifiers: ClinVar variation 2138983 (VCV002138983.2), dbSNP rs772026858, ClinGen allele CA3242830.